The following is an entry in ClinVar:

NM_016529.6(ATP8A2):c.940A>G (p.Asn314Asp)

Gene: ATP8A2 (ATPase phospholipid transporting 8A2). Cytogenetic location: 13q12.13.
Variant type: single nucleotide variant.
Coding change: c.940A>G on transcript NM_016529.6 (MANE Select); coding-DNA position 940, A replaced by G.
Protein change: p.Asn314Asp; replaces asparagine 314 with aspartic acid.
Molecular consequence: missense variant.
Genome position (GRCh38, 1-based): chr13:25,551,386, A>G. VCF-style: chr13-25551386-A-G. GRCh37 (hg19) VCF-style: chr13-26125524-A-G.
Other names: c.820A>G, p.Asn274Asp (NM_001313741.1); c.940A>G, p.Asn314Asp (NM_001411005.1, NM_001411006.1); short protein forms N314D, N274D.
Identifiers: ClinVar variation 2066868 (VCV002066868.3), dbSNP rs904187520, ClinGen allele CA247138199.

ClinVar aggregate classification (germline): Uncertain significance (1 of 4 stars; one submission).

Allele frequency attached by ClinVar (database versions not stated): gnomAD exomes below 0.00001; TOPMed below 0.00001; gnomAD 0.00001.
gnomAD v4.1: 6 of 1,614,056 alleles (0.00037%); highest among the groups gnomAD compares: Non-Finnish European, 0.00051%; no homozygotes.

Submission:

Labcorp Genetics (formerly Invitae), Labcorp
Classification: Uncertain significance. Last evaluated: 2022-10-25. Review status: criteria provided, single submitter. Criteria: Invitae Variant Classification Sherloc (09022015). Collection method: clinical testing. Allele origin: germline.
Comment: In summary, the available evidence is currently insufficient to determine the role of this variant in disease. Therefore, it has been classified as a Variant of Uncertain Significance. Advanced modeling of protein sequence and biophysical properties (such as structural, functional, and spatial information, amino acid conservation, physicochemical variation, residue mobility, and thermodynamic stability) has been performed at Invitae for this missense variant, however the output from this modeling did not meet the statistical confidence thresholds required to predict the impact of this variant on ATP8A2 protein function. This variant has not been reported in the literature in individuals affected with ATP8A2-related conditions. This variant is present in population databases (no rsID available, gnomAD 0.0009%). This sequence change replaces asparagine, which is neutral and polar, with aspartic acid, which is acidic and polar, at codon 314 of the ATP8A2 protein (p.Asn314Asp).